The following is an entry in ClinVar:

ClinVar aggregate classification (germline): Uncertain significance. Review status: criteria provided, multiple submitters, no conflicts (2 of 4 stars). 2 submissions from 2 submitters: Uncertain significance (2). Last evaluated 2024-01-23.

Conditions:
Inborn genetic diseases. Identifiers: MedGen C0950123, MeSH D030342.

Allele frequency attached by ClinVar (database versions not stated): TOPMed below 0.00001; ExAC 0.00002; gnomAD exomes 0.00002; gnomAD 0.00003.
gnomAD v4.1: 35 of 1,614,040 alleles (0.0022%); highest among the groups gnomAD compares: South Asian, 0.026%; no homozygotes.

Submissions (2):

Ambry Genetics
Classification: Uncertain significance for Inborn genetic diseases. Last evaluated: 2024-01-23. Review status: criteria provided, single submitter. Criteria: Ambry Variant Classification Scheme 2023. Collection method: clinical testing. Allele origin: germline.

Labcorp Genetics (formerly Invitae), Labcorp
Classification: Uncertain significance. Last evaluated: 2023-07-21. Review status: criteria provided, single submitter. Criteria: Invitae Variant Classification Sherloc (09022015). Collection method: clinical testing. Allele origin: germline.
Comment: This variant is present in population databases (rs782421954, gnomAD 0.02%). This sequence change replaces arginine, which is basic and polar, with glutamine, which is neutral and polar, at codon 34 of the KATNB1 protein (p.Arg34Gln). This variant has not been reported in the literature in individuals affected with KATNB1-related conditions. In summary, the available evidence is currently insufficient to determine the role of this variant in disease. Therefore, it has been classified as a Variant of Uncertain Significance. An algorithm developed to predict the effect of missense changes on protein structure and function (PolyPhen-2) suggests that this variant is likely to be tolerated. ClinVar contains an entry for this variant (Variation ID: 2084141).

NM_005886.3(KATNB1):c.101G>A (p.Arg34Gln)

Gene: KATNB1 (katanin regulatory subunit B1; plus strand). Cytogenetic location: 16q21.
Variant type: single nucleotide variant.
Coding change: c.101G>A on transcript NM_005886.3 (MANE Select); coding-DNA position 101, G replaced by A.
Protein change: p.Arg34Gln; replaces arginine 34 with glutamine.
Molecular consequence: missense variant.
Genome position (GRCh38, 1-based): chr16:57,741,747, G>A. VCF-style: chr16-57741747-G-A. GRCh37 (hg19) VCF-style: chr16-57775659-G-A.
Other names: c.101G>A (NM_005886.2); short protein forms R34Q.
Identifiers: ClinVar variation 2084141 (VCV002084141.5), dbSNP rs782421954, ClinGen allele CA8080616.